The following is an entry in ClinVar:

NM_001377.3(DYNC2H1):c.4307A>G (p.Asp1436Gly)

Gene: DYNC2H1 (dynein cytoplasmic 2 heavy chain 1; plus strand). Cytogenetic location: 11q22.3.
Variant type: single nucleotide variant.
Coding change: c.4307A>G on transcript NM_001377.3 (MANE Select); coding-DNA position 4307, A replaced by G.
Protein change: p.Asp1436Gly; replaces aspartic acid 1436 with glycine.
Molecular consequence: missense variant.
Genome position (GRCh38, 1-based): chr11:103,158,956, A>G. VCF-style: chr11-103158956-A-G. GRCh37 (hg19) VCF-style: chr11-103029685-A-G.
Other names: c.4307A>G, p.Asp1436Gly (NM_001080463.2); short protein forms D1436G.
Identifiers: ClinVar variation 1427486 (VCV001427486.6), dbSNP rs1014987027, ClinGen allele CA227419152.
Genomic context (GRCh38, chr11:103,158,956, plus strand): 5'-TCTATTTTTATTAGGAAAAACGCTCAGCATTCCCAAGATTTTATTTTATTGGTGATGATG[A>G]CTTATTAGAAATATTGGGCCAGTCTACCAACCCATCAGTGATTCAGTCTCACCTGAAGAA-3'
Protein context (NP_001368.2, residues 1426-1446): FPRFYFIGDD[Asp1436Gly]LLEILGQSTN

ClinVar aggregate classification (germline): Uncertain significance (1 of 4 stars; one submission).

Conditions:
Jeune thoracic dystrophy. Also called: Jeune syndrome; Infantile thoracic dystrophy; Thoracic pelvic phalangeal dystrophy; Jeune's syndrome; Chondroectodermal dysplasia-like syndrome; Short-rib thoracic dysplasia. Identifiers: Orphanet 474, MedGen C0265275, MONDO:0018770.

Allele frequency attached by ClinVar (database versions not stated): gnomAD exomes below 0.00001.
gnomAD v4.1: 29 of 1,613,270 alleles (0.0018%); highest among the groups gnomAD compares: Non-Finnish European, 0.0025%; no homozygotes.

Submission:

Labcorp Genetics (formerly Invitae), Labcorp
Classification: Uncertain significance for Jeune thoracic dystrophy. Last evaluated: 2024-11-18. Review status: criteria provided, single submitter. Criteria: Invitae Variant Classification Sherloc (09022015). Collection method: clinical testing. Allele origin: germline.
Comment: This sequence change replaces aspartic acid, which is acidic and polar, with glycine, which is neutral and non-polar, at codon 1436 of the DYNC2H1 protein (p.Asp1436Gly). This variant is present in population databases (no rsID available, gnomAD 0.0009%). This variant has not been reported in the literature in individuals affected with DYNC2H1-related conditions. ClinVar contains an entry for this variant (Variation ID: 1427486). Invitae Evidence Modeling of protein sequence and biophysical properties (such as structural, functional, and spatial information, amino acid conservation, physicochemical variation, residue mobility, and thermodynamic stability) indicates that this missense variant is expected to disrupt DYNC2H1 protein function with a positive predictive value of 95%. In summary, the available evidence is currently insufficient to determine the role of this variant in disease. Therefore, it has been classified as a Variant of Uncertain Significance.